The following is an entry in ClinVar:

ClinVar aggregate classification (germline): Uncertain significance (1 of 4 stars; one submission).

Allele frequency attached by ClinVar (database versions not stated): gnomAD exomes 0.00001.
gnomAD v4.1: 8 of 1,211,743 alleles (0.00066%); highest among the groups gnomAD compares: Non-Finnish European, 0.00089%; no homozygotes.

Submission:

Labcorp Genetics (formerly Invitae), Labcorp
Classification: Uncertain significance. Last evaluated: 2022-11-19. Review status: criteria provided, single submitter. Criteria: Invitae Variant Classification Sherloc (09022015). Collection method: clinical testing. Allele origin: germline.
Comment: This sequence change replaces glutamine, which is neutral and polar, with arginine, which is basic and polar, at codon 1167 of the STAG2 protein (p.Gln1167Arg). In summary, the available evidence is currently insufficient to determine the role of this variant in disease. Therefore, it has been classified as a Variant of Uncertain Significance. Algorithms developed to predict the effect of missense changes on protein structure and function are either unavailable or do not agree on the potential impact of this missense change (SIFT: "Deleterious"; PolyPhen-2: "Possibly Damaging"; Align-GVGD: "Class C0"). This variant has not been reported in the literature in individuals affected with STAG2-related conditions. This variant is not present in population databases (gnomAD no frequency).

NM_001042750.2(STAG2):c.3500A>G (p.Gln1167Arg)

Gene: STAG2 (STAG2 cohesin complex component; plus strand). Cytogenetic location: Xq25.
Variant type: single nucleotide variant.
Coding change: c.3500A>G on transcript NM_001042750.2 (MANE Select); coding-DNA position 3500, A replaced by G.
Protein change: p.Gln1167Arg; replaces glutamine 1167 with arginine.
Molecular consequence: missense variant. On other transcripts: intron variant (8).
Genome position (GRCh38, 1-based): chrX:124,090,886, A>G. VCF-style: chrX-124090886-A-G. GRCh37 (hg19) VCF-style: chrX-123224736-A-G.
Other names: c.3500A>G, p.Gln1167Arg (NM_001042749.2, NM_001375366.1, NM_001375367.1 and 5 more transcripts); c.3467+122A>G (NM_001375373.1, NM_001375374.1, NM_001282418.2 and 5 more transcripts); short protein forms Q1167R.
Identifiers: ClinVar variation 2807606 (VCV002807606.3), dbSNP rs2522481363, ClinGen allele CA414281920.